The following is an entry in ClinVar:

ClinVar aggregate classification (germline): Uncertain significance (1 of 4 stars; one submission).

Allele frequency attached by ClinVar (database versions not stated): gnomAD exomes below 0.00001.
gnomAD v4.1: 6 of 1,613,938 alleles (0.00037%); highest among the groups gnomAD compares: Middle Eastern, 0.016%; no homozygotes.

Submission:

Labcorp Genetics (formerly Invitae), Labcorp
Classification: Uncertain significance. Last evaluated: 2024-02-24. Review status: criteria provided, single submitter. Criteria: Invitae Variant Classification Sherloc (09022015). Collection method: clinical testing. Allele origin: germline.
Comment: This sequence change replaces proline, which is neutral and non-polar, with leucine, which is neutral and non-polar, at codon 1290 of the KIAA1549 protein (p.Pro1290Leu). This variant is present in population databases (no rsID available, gnomAD 0.004%). This variant has not been reported in the literature in individuals affected with KIAA1549-related conditions. ClinVar contains an entry for this variant (Variation ID: 1522234). An algorithm developed to predict the effect of missense changes on protein structure and function (PolyPhen-2) suggests that this variant is likely to be disruptive. In summary, the available evidence is currently insufficient to determine the role of this variant in disease. Therefore, it has been classified as a Variant of Uncertain Significance.

NM_001164665.2(KIAA1549):c.3869C>T (p.Pro1290Leu)

Gene: KIAA1549 (KIAA1549; minus strand). Cytogenetic location: 7q34.
Variant type: single nucleotide variant.
Coding change: c.3869C>T on transcript NM_001164665.2 (MANE Select); coding-DNA position 3869, C replaced by T.
Protein change: p.Pro1290Leu; replaces proline 1290 with leucine.
Molecular consequence: missense variant.
Genome position (GRCh38, 1-based): chr7:138,894,505, G>A on the plus strand (C>T on the coding strand, the complement: KIAA1549 is on the minus strand). VCF-style: chr7-138894505-G-A. GRCh37 (hg19) VCF-style: chr7-138579251-G-A.
Other names: c.3869C>T, p.Pro1290Leu (NM_020910.3); short protein forms P1290L.
Identifiers: ClinVar variation 1522234 (VCV001522234.8), dbSNP rs984290862, ClinGen allele CA167149672.
Genomic context (GRCh38, chr7:138,894,505, plus strand): 5'-AGCACTGGGATGACCACGCCAACAATGACCCACAAGTTGTTGCTCTGGGATTCCGGAGAC[G>A]GCCTCTTCACCCTGTCGACAGCTGCAGACAAGGAAGAAAGGTCTTTCAATAATTCCTTCT-3'
Protein context (NP_001158137.1, residues 1280-1300): IAQPVDRVKR[Pro1290Leu]SPESQSNNLW